The following is an entry in ClinVar:

ClinVar aggregate classification (germline): Uncertain significance (1 of 4 stars; one submission).

Allele frequency attached by ClinVar (database versions not stated): gnomAD exomes below 0.00001; gnomAD 0.00001; TOPMed 0.00001.
gnomAD v4.1: 3 of 1,614,082 alleles (0.00019%); highest among the groups gnomAD compares: Non-Finnish European, 0.00025%; no homozygotes.

Submission:

GeneDx
Classification: Uncertain significance. Last evaluated: 2019-04-05. Review status: criteria provided, single submitter. Criteria: GeneDx Variant Classification Process June 2021. Collection method: clinical testing. Allele origin: germline. Affected: yes.
Comment: Not observed at a significant frequency in large population cohorts (Lek et al., 2016); In silico analysis, which includes protein predictors and evolutionary conservation, supports a deleterious effect; Has not been previously published as pathogenic or benign to our knowledge; Not located in the triple helical region, where the majority of pathogenic missense variants occur

NM_001844.5(COL2A1):c.3814C>T (p.Pro1272Ser)

Gene: COL2A1 (collagen type II alpha 1 chain; minus strand). Cytogenetic location: 12q13.11.
Variant type: single nucleotide variant.
Coding change: c.3814C>T on transcript NM_001844.5 (MANE Select); coding-DNA position 3814, C replaced by T.
Protein change: p.Pro1272Ser; replaces proline 1272 with serine.
Molecular consequence: missense variant.
Genome position (GRCh38, 1-based): chr12:47,975,389, G>A on the plus strand (C>T on the coding strand, the complement: COL2A1 is on the minus strand). VCF-style: chr12-47975389-G-A. GRCh37 (hg19) VCF-style: chr12-48369172-G-A.
Other names: c.3607C>T, p.Pro1203Ser (NM_033150.3); short protein forms P1203S, P1272S.
Identifiers: ClinVar variation 1308479 (VCV001308479.2), dbSNP rs1226449887, ClinGen allele CA384536578.